The following is an entry in ClinVar:

NM_181552.4(CUX1):c.3130+3783C>T

Gene: CUX1 (cut like homeobox 1; plus strand). Cytogenetic location: 7q22.1.
Variant type: single nucleotide variant.
Coding change: c.3130+3783C>T on transcript NM_181552.4 (MANE Select); 3783 bases into the intron after coding-DNA position 3130, C replaced by T.
Molecular consequence: intron variant.
Genome position (GRCh38, 1-based): chr7:102,208,953, C>T. VCF-style: chr7-102208953-C-T. GRCh37 (hg19) VCF-style: chr7-101852233-C-T.
Other names: c.1255+13350C>T (NM_001913.5); c.1249+13350C>T (NM_181500.4); c.1117+13350C>T (NM_001202545.3); c.1207+13350C>T (NM_001202544.3); c.1138+13350C>T (NM_001202546.3); c.3163+3783C>T (NM_001202543.2).
Identifiers: ClinVar variation 4292376 (VCV004292376.1).

ClinVar aggregate classification (germline): Uncertain significance (1 of 4 stars; one submission).

Conditions:
Global developmental delay with or without impaired intellectual development. Identifiers: MedGen C5193032, MONDO:0032680, OMIM 618330.

Submission:

3billion
Classification: Uncertain significance for Global developmental delay with or without impaired intellectual development. Last evaluated: 2024-11-26. Review status: criteria provided, single submitter. Criteria: ACMG Guidelines, 2015. Collection method: clinical testing. Allele origin: germline. Affected: yes.
Comment: The variant is not observed in the gnomAD v4.1.0 dataset. Predicted Consequence/Location: Intron variant In silico tools predict the variant to alter splicing and produce an abnormal transcript [SpliceAI: 0.27 (>=0.2, moderate evidence for spliceogenicity)]. Therefore, this variant is classified as VUS according to the recommendation of ACMG/AMP guideline.